The following is an entry in ClinVar:

ClinVar aggregate classification (germline): Uncertain significance (1 of 4 stars; one submission).

Conditions:
Usher syndrome type 3B. Also called: USHER SYNDROME, TYPE IIIB. Identifiers: MedGen C3281066, MONDO:0013788, OMIM 614504.

Submission:

Labcorp Genetics (formerly Invitae), Labcorp
Classification: Uncertain significance for Usher syndrome type 3B. Last evaluated: 2024-04-20. Review status: criteria provided, single submitter. Criteria: Invitae Variant Classification Sherloc (09022015). Collection method: clinical testing. Allele origin: germline.
Comment: This sequence change replaces phenylalanine, which is neutral and non-polar, with leucine, which is neutral and non-polar, at codon 390 of the HARS protein (p.Phe390Leu). This variant is not present in population databases (gnomAD no frequency). This variant has not been reported in the literature in individuals affected with HARS-related conditions. Advanced modeling of protein sequence and biophysical properties (such as structural, functional, and spatial information, amino acid conservation, physicochemical variation, residue mobility, and thermodynamic stability) performed at Invitae indicates that this missense variant is not expected to disrupt HARS protein function with a negative predictive value of 80%. In summary, the available evidence is currently insufficient to determine the role of this variant in disease. Therefore, it has been classified as a Variant of Uncertain Significance.

NM_002109.6(HARS1):c.1170C>A (p.Phe390Leu)

Gene: HARS1 (histidyl-tRNA synthetase 1; minus strand). Cytogenetic location: 5q31.3.
Variant type: single nucleotide variant.
Coding change: c.1170C>A on transcript NM_002109.6 (MANE Select); coding-DNA position 1170, C replaced by A.
Protein change: p.Phe390Leu; replaces phenylalanine 390 with leucine.
Molecular consequence: missense variant.
Genome position (GRCh38, 1-based): chr5:140,676,678, G>T on the plus strand (C>A on the coding strand, the complement: HARS1 is on the minus strand). VCF-style: chr5-140676678-G-T. GRCh37 (hg19) VCF-style: chr5-140056263-G-T.
Other names: c.1050C>A, p.Phe350Leu (NM_001258040.3); c.1110C>A, p.Phe370Leu (NM_001258041.3); c.990C>A, p.Phe330Leu (NM_001258042.3); c.948C>A, p.Phe316Leu (NM_001289092.2); c.828C>A, p.Phe276Leu (NM_001289093.2); c.1083C>A, p.Phe361Leu (NM_001289094.2); short protein forms F361L, F390L, F276L, F316L, F330L, F350L, F370L.
Identifiers: ClinVar variation 3701949 (VCV003701949.2).